The following is an entry in ClinVar:

NM_006912.6(RIT1):c.650C>G (p.Ser217Ter)

Gene: RIT1 (Ras like without CAAX 1; minus strand). Cytogenetic location: 1q22.
Variant type: single nucleotide variant.
Coding change: c.650C>G on transcript NM_006912.6 (MANE Select); coding-DNA position 650, C replaced by G.
Protein change: p.Ser217Ter; replaces serine 217 with a stop codon.
Molecular consequence: nonsense.
Genome position (GRCh38, 1-based): chr1:155,900,398, G>C on the plus strand (C>G on the coding strand, the complement: RIT1 is on the minus strand). VCF-style: chr1-155900398-G-C. GRCh37 (hg19) VCF-style: chr1-155870189-G-C.
Other names: c.650C>G (NM_006912.5, NM_006912.4); c.542C>G, p.Ser181Ter (NM_001256820.2); c.701C>G, p.Ser234Ter (NM_001256821.2); short protein forms S181*, S217*, S234*.
Identifiers: ClinVar variation 2185691 (VCV002185691.8), dbSNP rs767498196, ClinGen allele CA1151755.

ClinVar aggregate classification (germline): Conflicting classifications of pathogenicity. Review status: criteria provided, conflicting classifications (1 of 4 stars). 4 submissions from 4 submitters: Uncertain significance (3); Likely benign (1). Last evaluated 2026-08-28.

Conditions:
Cardiovascular phenotype. Identifiers: MedGen CN230736.
Noonan syndrome 8 (NS8). Identifiers: Orphanet 648, MedGen C3809233, MONDO:0014143, OMIM 615355.

Allele frequency attached by ClinVar (database versions not stated): ExAC 0.00001; TOPMed 0.00001.
gnomAD v4.1: 21 of 1,613,040 alleles (0.0013%); highest among the groups gnomAD compares: East Asian, 0.0022%; no homozygotes.

Submissions (4):

GeneDx
Classification: Uncertain significance. Last evaluated: 2026-08-28. Review status: criteria provided, single submitter. Criteria: GeneDx Variant Classification Process June 2021. Collection method: clinical testing. Allele origin: germline.
Comment: Has not been previously published as pathogenic or benign in association with a RIT1-related disorder to our knowledge; Nonsense variant predicted to result in protein truncation as the last 3 amino acid(s) are lost; This variant is associated with the following publications: (PMID: 34946832)

Ambry Genetics
Classification: Likely benign for Cardiovascular phenotype. Last evaluated: 2025-04-25. Review status: criteria provided, single submitter. Criteria: Ambry Variant Classification Scheme 2023. Collection method: clinical testing. Allele origin: germline.

Labcorp Genetics (formerly Invitae), Labcorp
Classification: Uncertain significance for Noonan syndrome 8. Last evaluated: 2024-02-03. Review status: criteria provided, single submitter. Criteria: Invitae Variant Classification Sherloc (09022015). Collection method: clinical testing. Allele origin: germline.
Comment: This sequence change creates a premature translational stop signal (p.Ser217*) in the RIT1 gene. While this is not anticipated to result in nonsense mediated decay, it is expected to disrupt the last 3 amino acid(s) of the RIT1 protein. This variant is present in population databases (rs767498196, gnomAD 0.006%). This variant has not been reported in the literature in individuals affected with RIT1-related conditions. ClinVar contains an entry for this variant (Variation ID: 2185691). Experimental studies and prediction algorithms are not available or were not evaluated, and the functional significance of this variant is currently unknown. In summary, the available evidence is currently insufficient to determine the role of this variant in disease. Therefore, it has been classified as a Variant of Uncertain Significance.

Neuberg Centre For Genomic Medicine, NCGM
Classification: Uncertain significance for Noonan syndrome 8. Review status: criteria provided, single submitter. Criteria: ACMG Guidelines, 2015. Collection method: clinical testing. Allele origin: germline. Inheritance: Autosomal dominant inheritance. Affected: yes.
Comment: The stop gained variant c.650C>G (p.Ser217Ter) in the RIT1 gene has not been reported previously as a pathogenic variant nor as a benign variant, to our knowledge. This variant is reported with the allele frequency (0.001%) in the gnomAD Exomes. This variant is predicted to cause loss of normal protein function through protein truncation. Loss of function variants has not been previously reported to be disease-causing . However, since this variant is present in the penultimate exon functional studies will be required to prove protein truncation. For these reasons, this variant has been classified as Uncertain Significance.